The following is an entry in ClinVar:

NM_206933.4(USH2A):c.12066+4409C>G

Gene: USH2A (usherin; minus strand). Cytogenetic location: 1q41.
Variant type: single nucleotide variant.
Coding change: c.12066+4409C>G on transcript NM_206933.4 (MANE Select); 4409 bases into the intron after coding-DNA position 12066, C replaced by G.
Molecular consequence: intron variant.
Genome position (GRCh38, 1-based): chr1:215,723,621, G>C on the plus strand (C>G on the coding strand, the complement: USH2A is on the minus strand). VCF-style: chr1-215723621-G-C. GRCh37 (hg19) VCF-style: chr1-215896963-G-C.
Other names: c.12066+4409C>G (NM_206933.2).
Identifiers: ClinVar variation 1184582 (VCV001184582.27), dbSNP rs115494070, ClinGen allele CA37391840.

ClinVar aggregate classification (germline): Conflicting classifications of pathogenicity. Review status: criteria provided, conflicting classifications (1 of 4 stars). 3 submissions from 3 submitters: Uncertain significance (1); Likely benign (2). Last evaluated 2026-08-01.

Conditions:
USH2A-related disorder. Also called: USH2A-related disorders; USH2A-related condition. Identifiers: MedGen CN239332.

Allele frequency attached by ClinVar (database versions not stated): 1000 Genomes Project 0.00260; 1000 Genomes Project 30x 0.00281; gnomAD 0.00622 and 0.00638.
gnomAD v4.1: 944 of 152,298 alleles (0.62%); highest among the groups gnomAD compares: Non-Finnish European, 1%; 1 homozygote.

Submissions (3):

CeGaT Center for Human Genetics Tuebingen
Classification: Likely benign. Last evaluated: 2026-08-01. Review status: criteria provided, single submitter. Criteria: CeGaT Center For Human Genetics Tuebingen Variant Classification Criteria Version 2. Collection method: clinical testing. Allele origin: germline. Affected: yes. Observed: 29 variant alleles.
Comment: USH2A: BS1

PreventionGenetics, part of Exact Sciences
Classification: Likely benign for USH2A-related condition. Last evaluated: 2026-03-04. Review status: criteria provided, single submitter. Criteria: ACMG Guidelines, 2015. Collection method: clinical testing. Allele origin: germline.
Comment: This variant is classified as likely benign based on ACMG/AMP sequence variant interpretation guidelines (Richards et al. 2015 PMID: 25741868, with internal and published modifications).

Women's Health and Genetics/Laboratory Corporation of America, LabCorp
Classification: Uncertain significance. Last evaluated: 2025-01-02. Review status: criteria provided, single submitter. Criteria: LabCorp Variant Classification Summary - May 2015. Collection method: clinical testing. Allele origin: germline.
Comment: Variant summary: USH2A c.12066+4409C>G is located at a position not widely known to affect splicing. Consensus agreement among computation tools predict no significant impact on normal splicing. At least one publication reports experimental evidence that this variant affects mRNA splicing (Smedley_2021). The variant allele was found at a frequency of 0.0061 in 31402 control chromosomes (gnomAD). This frequency is not significantly higher than estimated for a pathogenic variant in USH2A causing Usher Syndrome (0.0061 vs 0.011), allowing no conclusion about variant significance. c.12066+4409C>G has been reported in the literature in at least one individual affected with congenital hearing impairment (profound/severe) and posterior segment abnormalities (Smedley_2021). The report does not provide unequivocal conclusions about association of the variant with Usher Syndrome. The following publication have been ascertained in the context of this evaluation (PMID: 34758253). ClinVar contains an entry for this variant (Variation ID: 1184582). Based on the evidence outlined above, the variant was classified as VUS-possibly pathogenic.

Literature cited by the submitters: PubMed 34758253 (cited by Women's Health and Genetics/Laboratory Corporation of America, LabCorp).